The following is an entry in ClinVar:

ClinVar aggregate classification (germline): Uncertain significance (1 of 4 stars; one submission).

Submission:

Women's Health and Genetics/Laboratory Corporation of America, LabCorp
Classification: Uncertain significance. Last evaluated: 2025-11-20. Review status: criteria provided, single submitter. Criteria: LabCorp Variant Classification Summary - May 2015. Collection method: clinical testing. Allele origin: germline.
Comment: Variant summary: RYR1 c.1728C>G (p.Ile576Met) results in a conservative amino acid change in the encoded protein sequence. Algorithms developed to predict the effect of missense changes on protein structure and function are either unavailable or do not agree on the potential impact of this missense change. The variant was absent in 251462 control chromosomes (gnomAD). The available data on variant occurrences in the general population are insufficient to allow any conclusion about variant significance. c.1728C>G has been observed in an individual affected with Myopathy, RYR1-Associated (Dosi_2023). These data do not allow any conclusion about variant significance. To our knowledge, no experimental evidence demonstrating an impact on protein function has been reported. The following publication has been ascertained in the context of this evaluation (PMID: 36833224). No submitters have cited clinical-significance assessments for this variant to ClinVar. Based on the evidence outlined above, the variant was classified as uncertain significance.

Literature cited by the submitters: PubMed 36833224.

NM_000540.3(RYR1):c.1728C>G (p.Ile576Met)

Gene: RYR1 (ryanodine receptor 1; plus strand). Cytogenetic location: 19q13.2.
Variant type: single nucleotide variant.
Coding change: c.1728C>G on transcript NM_000540.3 (MANE Select); coding-DNA position 1728, C replaced by G.
Protein change: p.Ile576Met; replaces isoleucine 576 with methionine.
Molecular consequence: missense variant.
Genome position (GRCh38, 1-based): chr19:38,455,688, C>G. VCF-style: chr19-38455688-C-G. GRCh37 (hg19) VCF-style: chr19-38946328-C-G.
Other names: c.1728C>G, p.Ile576Met (NM_001042723.2); short protein forms I576M.
Identifiers: ClinVar variation 4537275 (VCV004537275.1).